The following is an entry in ClinVar:

NM_001367479.1(DNAH14):c.3295A>T (p.Asn1099Tyr)

Gene: DNAH14 (dynein axonemal heavy chain 14; plus strand). Cytogenetic location: 1q42.12.
Variant type: single nucleotide variant.
Coding change: c.3295A>T on transcript NM_001367479.1 (MANE Select); coding-DNA position 3295, A replaced by T.
Protein change: p.Asn1099Tyr; replaces asparagine 1099 with tyrosine.
Molecular consequence: missense variant.
Genome position (GRCh38, 1-based): chr1:225,082,707, A>T. VCF-style: chr1-225082707-A-T. GRCh37 (hg19) VCF-style: chr1-225270409-A-T.
Other names: short protein forms N1099Y.
Identifiers: ClinVar variation 402649 (VCV000402649.5), dbSNP rs3128655, ClinGen allele CA1415867.

ClinVar aggregate classification (germline): Benign. Review status: criteria provided, multiple submitters, no conflicts (2 of 4 stars). 2 submissions from 2 submitters: Benign (2). Last evaluated 2016-03-28.

Allele frequency attached by ClinVar (database versions not stated): 1000 Genomes Project 30x 0.65678; 1000 Genomes Project 0.66214; TOPMed 0.71701; ESP Exome Variant Server 0.76172; ExAC 0.80199.
gnomAD v4.1: 1,313,059 of 1,550,332 alleles (85%); highest among the groups gnomAD compares: Non-Finnish European, 88%; 564,641 homozygotes.

Submissions (2):

Laboratory for Molecular Medicine, Mass General Brigham Personalized Medicine
Classification: Benign. Last evaluated: 2016-03-28. Review status: criteria provided, single submitter. Criteria: LMM Criteria. Collection method: clinical testing. Allele origin: germline.
Comment: Variant identified in a genome or exome case(s) and assessed due to predicted null impact of the variant or pathogenic assertions in the literature or databases. Disclaimer: This variant has not undergone full assessment. The following are preliminary notes: Frequency

Breakthrough Genomics
Classification: Benign. Review status: criteria provided, single submitter. Criteria: ACMG Guidelines, 2015. Collection method: not provided. Allele origin: germline. Inheritance: Unknown mechanism. Affected: yes.